The following is an entry in ClinVar:

NM_004444.5(EPHB4):c.2384G>A (p.Arg795Gln)

Genes: EPHB4 (EPH receptor B4; minus strand), LOC126860124 (CDK7 strongly-dependent group 2 enhancer GRCh37_chr7:100403701-100404900; plus strand). Cytogenetic location: 7q22.1.
Variant type: single nucleotide variant.
Coding change: c.2384G>A on transcript NM_004444.5 (MANE Select); coding-DNA position 2384, G replaced by A.
Protein change: p.Arg795Gln; replaces arginine 795 with glutamine.
Molecular consequence: missense variant.
Genome position (GRCh38, 1-based): chr7:100,806,520, C>T on the plus strand (G>A on the coding strand, the complement: EPHB4 is on the minus strand). VCF-style: chr7-100806520-C-T. GRCh37 (hg19) VCF-style: chr7-100404142-C-T.
Other names: short protein forms R795Q.
Identifiers: ClinVar variation 4614131 (VCV004614131.2).

ClinVar aggregate classification (germline): Uncertain significance. Review status: criteria provided, multiple submitters, no conflicts (2 of 4 stars). 2 submissions from 2 submitters: Uncertain significance (2). Last evaluated 2025-10-26.

Conditions:
Cardiovascular phenotype. Identifiers: MedGen CN230736.

gnomAD v4.1: 9 of 1,614,098 alleles (0.00056%); highest among the groups gnomAD compares: Non-Finnish European, 0.00068%; no homozygotes.

Submissions (2):

Ambry Genetics
Classification: Uncertain significance for Cardiovascular phenotype. Last evaluated: 2025-10-26. Review status: criteria provided, single submitter. Criteria: Ambry Variant Classification Scheme 2023. Collection method: clinical testing. Allele origin: germline.
Comment: The p.R795Q variant (also known as c.2384G>A), located in coding exon 14 of the EPHB4 gene, results from a G to A substitution at nucleotide position 2384. The arginine at codon 795 is replaced by glutamine, an amino acid with highly similar properties. This amino acid position is conserved. In addition, the in silico prediction for this alteration is inconclusive. Based on the available evidence, the clinical significance of this variant remains unclear.

Blueprint Genetics
Classification: Uncertain significance. Last evaluated: 2023-09-29. Review status: criteria provided, single submitter. Criteria: ACMG Guidelines, 2015. Collection method: clinical testing. Allele origin: germline.